The following is an entry in ClinVar:

ClinVar aggregate classification (germline): Uncertain significance (1 of 4 stars; one submission).

Allele frequency attached by ClinVar (database versions not stated): gnomAD exomes below 0.00001.
gnomAD v4.1: 3 of 1,614,018 alleles (0.00019%); highest among the groups gnomAD compares: Non-Finnish European, 0.00025%; no homozygotes.

Submission:

Labcorp Genetics (formerly Invitae), Labcorp
Classification: Uncertain significance. Last evaluated: 2022-08-23. Review status: criteria provided, single submitter. Criteria: Invitae Variant Classification Sherloc (09022015). Collection method: clinical testing. Allele origin: germline.
Comment: This sequence change replaces threonine, which is neutral and polar, with alanine, which is neutral and non-polar, at codon 5444 of the ADGRV1 protein (p.Thr5444Ala). This variant is not present in population databases (gnomAD no frequency). This variant has not been reported in the literature in individuals affected with ADGRV1-related conditions. ClinVar contains an entry for this variant (Variation ID: 838022). Algorithms developed to predict the effect of missense changes on protein structure and function (SIFT, PolyPhen-2, Align-GVGD) all suggest that this variant is likely to be tolerated. In summary, the available evidence is currently insufficient to determine the role of this variant in disease. Therefore, it has been classified as a Variant of Uncertain Significance.

NM_032119.4(ADGRV1):c.16330A>G (p.Thr5444Ala)

Gene: ADGRV1 (adhesion G protein-coupled receptor V1; plus strand). Cytogenetic location: 5q14.3.
Variant type: single nucleotide variant.
Coding change: c.16330A>G on transcript NM_032119.4 (MANE Select); coding-DNA position 16330, A replaced by G.
Protein change: p.Thr5444Ala; replaces threonine 5444 with alanine.
Molecular consequence: missense variant. On other transcripts: non-coding transcript variant (1).
Genome position (GRCh38, 1-based): chr5:90,823,558, A>G. VCF-style: chr5-90823558-A-G. GRCh37 (hg19) VCF-style: chr5-90119375-A-G.
Other names: short protein forms T5444A.
Identifiers: ClinVar variation 838022 (VCV000838022.7), dbSNP rs1763800127, ClinGen allele CA360425705.